The following is an entry in ClinVar:

ClinVar aggregate classification (germline): Pathogenic. Review status: criteria provided, single submitter (1 of 4 stars). 2 submissions from 2 submitters: Pathogenic (1). 1 of the submissions does not count toward it. Last evaluated 2026-01-27.

Conditions:
Peroxisome biogenesis disorder 9B. Also called: PEX7-Related Refsum Disease; PEROXISOME BIOGENESIS DISORDER, PEX7-RELATED, ATYPICAL; Refsum disease, adult, 2. Identifiers: Orphanet 773, MedGen C2749346, MONDO:0013945, OMIM 614879.
Rhizomelic chondrodysplasia punctata type 1 (RCDP1). Also called: PEROXISOME BIOGENESIS DISORDER 9; PEX7-Related Rhizomelic Chondrodysplasia Punctata; CHONDRODYSTROPHIA CALCIFICANS PUNCTATA. Identifiers: Orphanet 177, Orphanet 309789, MedGen C1859133, MONDO:0008972, OMIM 215100. Disease mechanism: loss of function.

Submissions (2):

Labcorp Genetics (formerly Invitae), Labcorp
Classification: Pathogenic for Peroxisome biogenesis disorder 9B. Last evaluated: 2026-01-27. Review status: criteria provided, single submitter. Criteria: Invitae Variant Classification Sherloc (09022015). Collection method: clinical testing. Allele origin: germline.
Comment: This sequence change creates a premature translational stop signal (p.Gly291*) in the PEX7 gene. While this is not anticipated to result in nonsense mediated decay, it is expected to disrupt the last 33 amino acid(s) of the PEX7 protein. This variant is not present in population databases (gnomAD no frequency). This variant has not been reported in the literature in individuals affected with PEX7-related conditions. ClinVar contains an entry for this variant (Variation ID: 552148). This variant disrupts a region of the PEX7 protein in which other variant(s) (p.Leu292*) have been determined to be pathogenic (PMID: 9090381, 9090382, 10083738, 11756410, 21990100, 22008564, 23572185, 25800479). This suggests that this is a clinically significant region of the protein, and that variants that disrupt it are likely to be disease-causing. For these reasons, this variant has been classified as Pathogenic.

Counsyl
Classification: Likely pathogenic for Rhizomelic chondrodysplasia punctata type 1. Last evaluated: 2017-05-24. Review status: no assertion criteria provided. Collection method: clinical testing. Allele origin: unknown. Not counted in ClinVar's aggregate classification.

Literature cited by the submitters: PubMed 9090381 (cited by Labcorp Genetics (formerly Invitae), Labcorp); PubMed 9090382 (cited by Labcorp Genetics (formerly Invitae), Labcorp); PubMed 10083738 (cited by Labcorp Genetics (formerly Invitae), Labcorp); PubMed 11756410 (cited by Labcorp Genetics (formerly Invitae), Labcorp and Counsyl); PubMed 21990100 (cited by Labcorp Genetics (formerly Invitae), Labcorp); PubMed 22008564 (cited by Labcorp Genetics (formerly Invitae), Labcorp); PubMed 23572185 (cited by Labcorp Genetics (formerly Invitae), Labcorp); PubMed 25800479 (cited by Labcorp Genetics (formerly Invitae), Labcorp).

NM_000288.4(PEX7):c.871_874del (p.Cys290_Gly291insTer)

Gene: PEX7 (peroxisomal biogenesis factor 7; plus strand). Cytogenetic location: 6q23.3.
Variant type: Deletion.
Coding change: c.871_874del on transcript NM_000288.4 (MANE Select); coding-DNA positions 871 to 874, 4 bases deleted (GGTT; older notation c.871_874delGGTT).
Protein change: p.Cys290_Gly291insTer.
Molecular consequence: nonsense.
Genome position (GRCh38, 1-based): chr6:136,898,209-136,898,212, GGTT deleted; deleting any 4 consecutive bases within chr6:136,898,208-136,898,212 gives the same sequence; the c. name uses the placement nearest the transcript's 3' end. VCF-style (leftmost placement, unchanged base first): chr6-136898207-GTGGT-G. GRCh37 (hg19) VCF-style: chr6-137219345-GTGGT-G.
Identifiers: ClinVar variation 552148 (VCV000552148.3), dbSNP rs1554335937, ClinGen allele CA658823310.